The following is an entry in ClinVar:

NM_001009944.3(PKD1):c.11276A>C (p.Tyr3759Ser)

Genes: PKD1 (polycystin 1, transient receptor potential channel interacting; minus strand), PKD1-AS1 (PKD1 antisense RNA 1; plus strand). Cytogenetic location: 16p13.3.
Variant type: single nucleotide variant.
Coding change: c.11276A>C on transcript NM_001009944.3 (MANE Select); coding-DNA position 11276, A replaced by C.
Protein change: p.Tyr3759Ser; replaces tyrosine 3759 with serine.
Molecular consequence: missense variant.
Genome position (GRCh38, 1-based): chr16:2,092,182, T>G on the plus strand (A>C on the coding strand, the complement: PKD1 is on the minus strand). VCF-style: chr16-2092182-T-G. GRCh37 (hg19) VCF-style: chr16-2142183-T-G.
Other names: c.11273A>C, p.Tyr3758Ser (NM_000296.4); short protein forms Y3758S, Y3759S.
Identifiers: ClinVar variation 4995867 (VCV004995867.1).

ClinVar aggregate classification (germline): Uncertain significance (1 of 4 stars; one submission).

Conditions:
PKD1-related disorder. Also called: PKD1-related condition.

Submission:

PreventionGenetics, part of Exact Sciences
Classification: Uncertain significance for PKD1-related condition. Last evaluated: 2026-02-04. Review status: criteria provided, single submitter. Criteria: ACMG Guidelines, 2015. Collection method: clinical testing. Allele origin: germline.
Comment: The PKD1 c.11276A>C variant is predicted to result in the amino acid substitution p.Tyr3759Ser. To our knowledge, this variant has not been reported in the literature or in a large population database (gnomAD), indicating this variant is rare. At this time, the clinical significance of this variant is uncertain due to the absence of conclusive functional and genetic evidence.